The following is an entry in ClinVar:

NM_177438.3(DICER1):c.4206+8_4206+9insTTTGTG

Gene: DICER1 (dicer 1, ribonuclease III; minus strand). Cytogenetic location: 14q32.13.
Variant type: Microsatellite.
Coding change: c.4206+8_4206+9insTTTGTG on transcript NM_177438.3 (MANE Select); bases 8 to 9 of the intron after coding-DNA position 4206, TTTGTG inserted.
Molecular consequence: intron variant.
Genome position: GRCh38 VCF-style: chr14-95099771-C-CACACAA. GRCh37 (hg19) VCF-style: chr14-95566108-C-CACACAA.
Other names: c.4206+8_4206+9insTTTGTG (NM_001291628.2, NM_030621.4, NM_001271282.3 and 1 more transcripts); c.4206+8_4206+9insTTGTGT (NM_177438.3).
Identifiers: ClinVar variation 242102 (VCV000242102.18), dbSNP rs763704682.
Genomic context (GRCh38, chr14:95,099,771, plus strand): 5'-GAAAAGTAAATCCCTCCAGTTACACACACACACACACACACACACACACACACACACACA[C>CACACAA]AAACTTACCATTTCATCTTTTTCCCATTTATCTGTGTTGCTTTTGTCTTGATTTACTACA-3'

ClinVar aggregate classification (germline): Benign/Likely benign. Review status: criteria provided, multiple submitters, no conflicts (2 of 4 stars). 5 submissions from 5 submitters: Benign (2); Likely benign (3). Last evaluated 2026-09-01.

Conditions:
DICER1-related tumor predisposition. Also called: DICER1 syndrome; DICER1-related pleuropulmonary blastoma cancer predisposition syndrome. Identifiers: Orphanet 284343, MedGen C3839822, MONDO:0100216.

Submissions (5):

CeGaT Center for Human Genetics Tuebingen
Classification: Likely benign. Last evaluated: 2026-09-01. Review status: criteria provided, single submitter. Criteria: CeGaT Center For Human Genetics Tuebingen Variant Classification Criteria Version 2. Collection method: clinical testing. Allele origin: germline. Affected: yes. Observed: 1 variant allele.
Comment: DICER1: BS2

Labcorp Genetics (formerly Invitae), Labcorp
Classification: Benign for DICER1-related tumor predisposition. Last evaluated: 2026-02-03. Review status: criteria provided, single submitter. Criteria: Invitae Variant Classification Sherloc (09022015). Collection method: clinical testing. Allele origin: germline.

Center for Genomic Medicine, Rigshospitalet, Copenhagen University Hospital
Classification: Likely benign. Last evaluated: 2025-12-29. Review status: criteria provided, single submitter. Criteria: ACMG Guidelines, 2015. Collection method: clinical testing. Allele origin: germline.
Comment: Classification criteria: BS1

Quest Diagnostics Nichols Institute San Juan Capistrano
Classification: Benign. Last evaluated: 2025-07-15. Review status: criteria provided, single submitter. Criteria: Quest Diagnostics criteria. Collection method: clinical testing. Allele origin: unknown.

Blueprint Genetics
Classification: Likely benign. Last evaluated: 2024-09-19. Review status: criteria provided, single submitter. Criteria: ACMG Guidelines, 2015. Collection method: clinical testing. Allele origin: germline.